The following is an entry in ClinVar:

NM_018976.5(SLC38A2):c.474C>T (p.Asn158=)

Gene: SLC38A2 (solute carrier family 38 member 2; minus strand). Cytogenetic location: 12q13.11.
Variant type: single nucleotide variant.
Coding change: c.474C>T on transcript NM_018976.5 (MANE Select); coding-DNA position 474, C replaced by T.
Protein change: p.Asn158=; no amino-acid change (asparagine 158 retained).
Molecular consequence: synonymous variant.
Genome position (GRCh38, 1-based): chr12:46,367,083, G>A on the plus strand (C>T on the coding strand, the complement: SLC38A2 is on the minus strand). VCF-style: chr12-46367083-G-A. GRCh37 (hg19) VCF-style: chr12-46760866-G-A.
Other names: c.174C>T, p.Asn58= (NM_001307936.2).
Identifiers: ClinVar variation 791632 (VCV000791632.28), dbSNP rs36022751, ClinGen allele CA6528851.
Genomic context (GRCh38, chr12:46,367,083, plus strand): 5'-TGCTCCACAATGAGCATAAAGTCTACCCAAATAATCTTTTGAAAAATTCTTACCTCCAAT[G>A]TTCTGCATTGTAATTGATCCAGATGCTGCAAGCTTTCCAACTAATCCAAATGCCTTATAT-3'
Protein context (NP_061849.2, residues 148-168): LAASGSITMQ[Asn158=]IGAMSSYLFI

ClinVar aggregate classification (germline): Benign/Likely benign. Review status: criteria provided, multiple submitters, no conflicts (2 of 4 stars). 3 submissions from 3 submitters: Benign (2); Likely benign (1). Last evaluated 2023-03-01.

Allele frequency attached by ClinVar (database versions not stated): 1000 Genomes Project 30x 0.00203; 1000 Genomes Project 0.00220; TOPMed 0.00560; ExAC 0.00586; gnomAD 0.00600 and 0.00611; gnomAD exomes 0.00611 and 0.00830; ESP Exome Variant Server 0.00723.
gnomAD v4.1: 13,121 of 1,613,734 alleles (0.81%); highest among the groups gnomAD compares: Non-Finnish European, 0.94%; 81 homozygotes.

Submissions (3):

CeGaT Center for Human Genetics Tuebingen
Classification: Likely benign. Last evaluated: 2023-03-01. Review status: criteria provided, single submitter. Criteria: CeGaT Center For Human Genetics Tuebingen Variant Classification Criteria Version 2. Collection method: clinical testing. Allele origin: germline. Affected: yes. Observed: 1 variant allele.
Comment: SLC38A2: BP4, BP7, BS2

Labcorp Genetics (formerly Invitae), Labcorp
Classification: Benign. Last evaluated: 2018-05-03. Review status: criteria provided, single submitter. Criteria: Invitae Variant Classification Sherloc (09022015). Collection method: clinical testing. Allele origin: germline.

Breakthrough Genomics
Classification: Benign. Review status: criteria provided, single submitter. Criteria: ACMG Guidelines, 2015. Collection method: not provided. Allele origin: germline. Inheritance: Unknown mechanism. Affected: yes.